The following is an entry in ClinVar:

ClinVar aggregate classification (germline): Uncertain significance. Review status: criteria provided, multiple submitters, no conflicts (2 of 4 stars). 3 submissions from 3 submitters: Uncertain significance (3). Last evaluated 2024-01-09.

Conditions:
Bethlem myopathy 2 (BTHLM2). Identifiers: Orphanet 536516, Orphanet 610, MedGen C4225313, MONDO:0034022, OMIM 616471.

Allele frequency attached by ClinVar (database versions not stated): TOPMed 0.00001.

Submissions (3):

Baylor Genetics
Classification: Uncertain significance for Bethlem myopathy 2. Last evaluated: 2024-01-09. Review status: criteria provided, single submitter. Criteria: ACMG Guidelines, 2015. Collection method: clinical testing. Allele origin: unknown.

GeneDx
Classification: Uncertain significance. Last evaluated: 2022-02-07. Review status: criteria provided, single submitter. Criteria: GeneDx Variant Classification Process June 2021. Collection method: clinical testing. Allele origin: germline. Affected: yes.
Comment: Not observed at significant frequency in large population cohorts (gnomAD); In silico analysis supports that this missense variant does not alter protein structure/function; Has not been previously published as pathogenic or benign to our knowledge

CeGaT Center for Human Genetics Tuebingen
Classification: Uncertain significance. Last evaluated: 2016-07-01. Review status: criteria provided, single submitter. Criteria: CeGaT Center For Human Genetics Tuebingen Variant Classification Criteria Version 2. Collection method: clinical testing. Allele origin: germline. Affected: yes. Observed: 1 variant allele.

NM_004370.6(COL12A1):c.2012G>C (p.Gly671Ala)

Gene: COL12A1 (collagen type XII alpha 1 chain; minus strand). Cytogenetic location: 6q13.
Variant type: single nucleotide variant.
Coding change: c.2012G>C on transcript NM_004370.6 (MANE Select); coding-DNA position 2012, G replaced by C.
Protein change: p.Gly671Ala; replaces glycine 671 with alanine.
Molecular consequence: missense variant. On other transcripts: intron variant (1).
Genome position (GRCh38, 1-based): chr6:75,181,091, C>G on the plus strand (G>C on the coding strand, the complement: COL12A1 is on the minus strand). VCF-style: chr6-75181091-C-G. GRCh37 (hg19) VCF-style: chr6-75890807-C-G.
Other names: c.73+21629G>C (NM_080645.3); short protein forms G671A.
Identifiers: ClinVar variation 374612 (VCV000374612.46), dbSNP rs1057519171, ClinGen allele CA16043815.